The following is an entry in ClinVar:

ClinVar aggregate classification (germline): Uncertain significance (1 of 4 stars; one submission).

Conditions:
Malignant hyperthermia, susceptibility to, 5 (MHS5). Also called: CACNA1S-Related Malignant Hyperthermia Susceptibility. Identifiers: Orphanet 423, MedGen C1866077, MONDO:0011163, OMIM 601887.

Submission:

All of Us Research Program, National Institutes of Health
Classification: Uncertain significance for Malignant hyperthermia, susceptibility to, 5. Last evaluated: 2023-05-31. Review status: criteria provided, single submitter. Criteria: ACMG Guidelines, 2015. Collection method: clinical testing. Allele origin: germline. Inheritance: Autosomal dominant inheritance. Observed: 1 variant allele, 1 heterozygote.
Comment: This study involves interpretation of variants in research participants for the purpose of population health screening. Participant phenotype was not available at the time of variant classification. Additional details can be found in publication PMID: 35346344, PMCID: PMC8962531

NM_000069.3(CACNA1S):c.4790T>C (p.Ile1597Thr)

Gene: CACNA1S (calcium voltage-gated channel subunit alpha1 S; minus strand). Cytogenetic location: 1q32.1.
Variant type: single nucleotide variant.
Coding change: c.4790T>C on transcript NM_000069.3 (MANE Select); coding-DNA position 4790, T replaced by C.
Protein change: p.Ile1597Thr; replaces isoleucine 1597 with threonine.
Molecular consequence: missense variant.
Genome position (GRCh38, 1-based): chr1:201,044,335, A>G on the plus strand (T>C on the coding strand, the complement: CACNA1S is on the minus strand). VCF-style: chr1-201044335-A-G. GRCh37 (hg19) VCF-style: chr1-201013463-A-G.
Other names: short protein forms I1597T.
Identifiers: ClinVar variation 3071403 (VCV003071403.1), dbSNP rs2464415387, ClinGen allele CA344138841.